The following is an entry in ClinVar:

ClinVar aggregate classification (germline): Uncertain significance (1 of 4 stars; one submission).

Submission:

Labcorp Genetics (formerly Invitae), Labcorp
Classification: Uncertain significance. Last evaluated: 2022-08-15. Review status: criteria provided, single submitter. Criteria: Invitae Variant Classification Sherloc (09022015). Collection method: clinical testing. Allele origin: germline.
Comment: Algorithms developed to predict the effect of missense changes on protein structure and function are either unavailable or do not agree on the potential impact of this missense change (SIFT: "Tolerated"; PolyPhen-2: "Possibly Damaging"; Align-GVGD: "Class C0"). In summary, the available evidence is currently insufficient to determine the role of this variant in disease. Therefore, it has been classified as a Variant of Uncertain Significance. This sequence change replaces aspartic acid, which is acidic and polar, with glycine, which is neutral and non-polar, at codon 106 of the ADAM9 protein (p.Asp106Gly). This variant is not present in population databases (gnomAD no frequency). This variant has not been reported in the literature in individuals affected with ADAM9-related conditions. ClinVar contains an entry for this variant (Variation ID: 1058006).

NM_003816.3(ADAM9):c.317A>G (p.Asp106Gly)

Gene: ADAM9 (ADAM metallopeptidase domain 9; plus strand). Cytogenetic location: 8p11.22.
Variant type: single nucleotide variant.
Coding change: c.317A>G on transcript NM_003816.3 (MANE Select); coding-DNA position 317, A replaced by G.
Protein change: p.Asp106Gly; replaces aspartic acid 106 with glycine.
Molecular consequence: missense variant. On other transcripts: non-coding transcript variant (3).
Genome position (GRCh38, 1-based): chr8:39,014,027, A>G. VCF-style: chr8-39014027-A-G. GRCh37 (hg19) VCF-style: chr8-38871546-A-G.
Other names: short protein forms D106G.
Identifiers: ClinVar variation 1058006 (VCV001058006.5), dbSNP rs2129432784, ClinGen allele CA370752433.
Genomic context (GRCh38, chr8:39,014,027, plus strand): 5'-ACCTTTTGCCTGAAGATTTTGTGGTTTATACTTACAACAAGGAAGGGACTTTAATCACTG[A>G]CCATCCCAATATACAGGTAATGTATTTTTCTCTTGATCCCATAGCAAATTTTAAAACAAT-3'
Protein context (NP_003807.1, residues 96-116): TYNKEGTLIT[Asp106Gly]HPNIQNHCHY